The following is an entry in ClinVar:

ClinVar aggregate classification (germline): Uncertain significance. Review status: criteria provided, multiple submitters, no conflicts (2 of 4 stars). 4 submissions from 4 submitters: Uncertain significance (4). Last evaluated 2024-01-15.

Conditions:
Familial hypercholesterolemia. Also called: Familial hypercholesterolemias; Familial hypercholesterolaemia. Identifiers: MedGen C0020445, MONDO:0005439.
Hypercholesterolemia, autosomal dominant, 3 (FHCL3). Also called: Familial hypercholesterolemia 3; PCSK9-Related Familial Hypercholesterolemia, Autosomal Dominant; Familial Hypercholesterolemia, Autosomal Dominant, 3. Identifiers: MedGen C1863551, MONDO:0011369, OMIM 603776.
Cardiovascular phenotype. Identifiers: MedGen CN230736.

Allele frequency attached by ClinVar (database versions not stated): gnomAD exomes below 0.00001 and 0.00001; TOPMed below 0.00001; gnomAD 0.00001 and 0.00002.
gnomAD v4.1: 22 of 1,613,808 alleles (0.0014%); highest among the groups gnomAD compares: East Asian, 0.045%; no homozygotes.

Submissions (4):

Labcorp Genetics (formerly Invitae), Labcorp
Classification: Uncertain significance for Hypercholesterolemia, autosomal dominant, 3. Last evaluated: 2024-01-15. Review status: criteria provided, single submitter. Criteria: Invitae Variant Classification Sherloc (09022015). Collection method: clinical testing. Allele origin: germline.
Comment: This sequence change replaces glycine, which is neutral and non-polar, with aspartic acid, which is acidic and polar, at codon 629 of the PCSK9 protein (p.Gly629Asp). This variant is present in population databases (no rsID available, gnomAD 0.02%). This missense change has been observed in individual(s) with familial hypercholesterolemia (PMID: 31491741). ClinVar contains an entry for this variant (Variation ID: 1331995). Advanced modeling of protein sequence and biophysical properties (such as structural, functional, and spatial information, amino acid conservation, physicochemical variation, residue mobility, and thermodynamic stability) performed at Invitae indicates that this missense variant is expected to disrupt PCSK9 protein function with a positive predictive value of 95%. In summary, the available evidence is currently insufficient to determine the role of this variant in disease. Therefore, it has been classified as a Variant of Uncertain Significance.

Ambry Genetics
Classification: Uncertain significance for Cardiovascular phenotype. Last evaluated: 2023-12-20. Review status: criteria provided, single submitter. Criteria: Ambry Variant Classification Scheme 2023. Collection method: clinical testing. Allele origin: germline.

All of Us Research Program, National Institutes of Health
Classification: Uncertain significance for Hypercholesterolemia, autosomal dominant, 3. Last evaluated: 2023-12-18. Review status: criteria provided, single submitter. Criteria: ACMG Guidelines, 2015. Collection method: clinical testing. Allele origin: germline. Inheritance: Autosomal dominant inheritance. Observed: 1 variant allele, 1 heterozygote.
Comment: This missense variant replaces glycine with aspartic acid at codon 629 of the PCSK9 protein. Computational prediction is inconclusive regarding the impact of this variant on protein structure and function (internally defined REVEL score threshold 0.5 < inconclusive < 0.7, PMID: 27666373). To our knowledge, functional studies have not been reported for this variant. This variant has been reported in an individual affected with familial hypercholesterolemia (PMID: 31491741). This variant has been identified in 3/280210 chromosomes in the general population by the Genome Aggregation Database (gnomAD). The available evidence is insufficient to determine the role of this variant in disease conclusively. Therefore, this variant is classified as a Variant of Uncertain Significance.

This study involves interpretation of variants in research participants for the purpose of population health screening. Participant phenotype was not available at the time of variant classification. Additional details can be found in publication PMID: 35346344, PMCID: PMC8962531

Color Diagnostics, LLC DBA Color Health
Classification: Uncertain significance for Familial hypercholesterolemia. Last evaluated: 2023-11-22. Review status: criteria provided, single submitter. Criteria: ACMG Guidelines, 2015. Collection method: clinical testing. Allele origin: germline.
Comment: This missense variant replaces glycine with aspartic acid at codon 629 of the PCSK9 protein. Computational prediction tools indicate that this variant's impact on protein structure and function is inconclusive. To our knowledge, functional studies have not been reported for this variant. This variant has been reported in one individual affected with familial hypercholesterolemia (PMID: 31491741). This variant has been identified in 3/280210 chromosomes in the general population by the Genome Aggregation Database (gnomAD). The available evidence is insufficient to determine the role of this variant in disease conclusively. Therefore, this variant is classified as a Variant of Uncertain Significance.

Literature cited by the submitters: PubMed 31491741 (cited by 3 submitters).

NM_174936.4(PCSK9):c.1886G>A (p.Gly629Asp)

Gene: PCSK9 (proprotein convertase subtilisin/kexin type 9; plus strand). Cytogenetic location: 1p32.3.
Variant type: single nucleotide variant.
Coding change: c.1886G>A on transcript NM_174936.4 (MANE Select); coding-DNA position 1886, G replaced by A.
Protein change: p.Gly629Asp; replaces glycine 629 with aspartic acid.
Molecular consequence: missense variant.
Genome position (GRCh38, 1-based): chr1:55,063,391, G>A. VCF-style: chr1-55063391-G-A. GRCh37 (hg19) VCF-style: chr1-55529064-G-A.
Other names: c.2009G>A, p.Gly670Asp (NM_001407240.1); c.1928G>A, p.Gly643Asp (NM_001407241.1); c.1889G>A, p.Gly630Asp (NM_001407242.1); c.1829G>A, p.Gly610Asp (NM_001407243.1); c.1712G>A, p.Gly571Asp (NM_001407244.1); c.1694G>A, p.Gly565Asp (NM_001407245.1); c.1511G>A, p.Gly504Asp (NM_001407246.1); c.1385G>A, p.Gly462Asp (NM_001407247.1); short protein forms G629D, G462D, G630D, G565D, G571D, G610D, G670D, G504D.
Identifiers: ClinVar variation 1331995 (VCV001331995.10), dbSNP rs1261496250, ClinGen allele CA340480590.